The following is an entry in ClinVar:

NM_001287.6(CLCN7):c.1331G>A (p.Gly444Asp)

Gene: CLCN7 (chloride voltage-gated channel 7; minus strand). Cytogenetic location: 16p13.3.
Variant type: single nucleotide variant.
Coding change: c.1331G>A on transcript NM_001287.6 (MANE Select); coding-DNA position 1331, G replaced by A.
Protein change: p.Gly444Asp; replaces glycine 444 with aspartic acid.
Molecular consequence: missense variant.
Genome position (GRCh38, 1-based): chr16:1,452,777, C>T on the plus strand (G>A on the coding strand, the complement: CLCN7 is on the minus strand). VCF-style: chr16-1452777-C-T. GRCh37 (hg19) VCF-style: chr16-1502778-C-T.
Other names: c.1259G>A, p.Gly420Asp (NM_001114331.3); short protein forms G420D, G444D.
Identifiers: ClinVar variation 1525007 (VCV001525007.6), dbSNP rs2142374595, ClinGen allele CA394189077.
Genomic context (GRCh38, chr16:1,452,777, plus strand): 5'-CCCTGCCTGCTGGACCCCGCCCGGGCCCAGCCTCCCACCTGCAGCGGGTAGGACATGGAG[C>T]CCCCCTGCAGGGGCTGGCAATCCCGCGACGAGTAGATCAGCACGAAGGCAACTGTGGCCG-3'
Protein context (NP_001278.1, residues 434-454): SSRDCQPLQG[Gly444Asp]SMSYPLQLFC

ClinVar aggregate classification (germline): Uncertain significance (1 of 4 stars; one submission).

gnomAD v4.1: 2 of 1,604,464 alleles (0.00012%); highest among the groups gnomAD compares: Non-Finnish European, 0.00017%; no homozygotes.

Submission:

Labcorp Genetics (formerly Invitae), Labcorp
Classification: Uncertain significance. Last evaluated: 2024-10-15. Review status: criteria provided, single submitter. Criteria: Invitae Variant Classification Sherloc (09022015). Collection method: clinical testing. Allele origin: germline.
Comment: This sequence change replaces glycine, which is neutral and non-polar, with aspartic acid, which is acidic and polar, at codon 444 of the CLCN7 protein (p.Gly444Asp). This variant is not present in population databases (gnomAD no frequency). This variant has not been reported in the literature in individuals affected with CLCN7-related conditions. ClinVar contains an entry for this variant (Variation ID: 1525007). Invitae Evidence Modeling of protein sequence and biophysical properties (such as structural, functional, and spatial information, amino acid conservation, physicochemical variation, residue mobility, and thermodynamic stability) indicates that this missense variant is not expected to disrupt CLCN7 protein function with a negative predictive value of 95%. In summary, the available evidence is currently insufficient to determine the role of this variant in disease. Therefore, it has been classified as a Variant of Uncertain Significance.